The following is an entry in ClinVar:

NM_001130987.2(DYSF):c.1150C>G (p.Leu384Val)

Gene: DYSF (dysferlin; plus strand). Cytogenetic location: 2p13.2.
Variant type: single nucleotide variant.
Coding change: c.1150C>G on transcript NM_001130987.2 (MANE Select); coding-DNA position 1150, C replaced by G.
Protein change: p.Leu384Val; replaces leucine 384 with valine.
Molecular consequence: missense variant.
Genome position (GRCh38, 1-based): chr2:71,526,220, C>G. VCF-style: chr2-71526220-C-G. GRCh37 (hg19) VCF-style: chr2-71753350-C-G.
Other names: c.1057C>G, p.Leu353Val (NM_001130455.2, NM_001130983.2, NM_001130984.2 and 1 more transcripts); c.1054C>G, p.Leu352Val (NM_001130976.2, NM_001130977.2, NM_001130978.2 and 1 more transcripts); c.1147C>G, p.Leu383Val (NM_001130979.2, NM_001130980.2, NM_001130981.2); c.1150C>G, p.Leu384Val (NM_001130982.2, NM_001130985.2); short protein forms L353V, L352V, L383V, L384V.
Identifiers: ClinVar variation 1467517 (VCV001467517.8), dbSNP rs759896755, ClinGen allele CA347212903.

ClinVar aggregate classification (germline): Uncertain significance (1 of 4 stars; one submission).

Conditions:
Neuromuscular disease caused by qualitative or quantitative defects of dysferlin. Also called: Dysferlinopathy; Qualitative or quantitative defects of dysferlin. Identifiers: Orphanet 207073, MedGen C2931687, MONDO:0016145.

Submission:

Labcorp Genetics (formerly Invitae), Labcorp
Classification: Uncertain significance for Neuromuscular disease caused by qualitative or quantitative defects of dysferlin. Last evaluated: 2021-07-12. Review status: criteria provided, single submitter. Criteria: Invitae Variant Classification Sherloc (09022015). Collection method: clinical testing. Allele origin: germline.
Comment: In summary, the available evidence is currently insufficient to determine the role of this variant in disease. Therefore, it has been classified as a Variant of Uncertain Significance. Algorithms developed to predict the effect of missense changes on protein structure and function output the following: SIFT: "Tolerated"; PolyPhen-2: "Benign"; Align-GVGD: "Class C0". The valine amino acid residue is found in multiple mammalian species, which suggests that this missense change does not adversely affect protein function. This variant has not been reported in the literature in individuals affected with DYSF-related conditions. This variant is not present in population databases (ExAC no frequency). This sequence change replaces leucine with valine at codon 352 of the DYSF protein (p.Leu352Val). The leucine residue is moderately conserved and there is a small physicochemical difference between leucine and valine.